The following is an entry in ClinVar:

ClinVar aggregate classification (germline): Likely benign. Review status: criteria provided, multiple submitters, no conflicts (2 of 4 stars). 3 submissions from 3 submitters: Likely benign (3). Last evaluated 2026-03-01.

Allele frequency attached by ClinVar (database versions not stated): gnomAD exomes 0.00022 and 0.00027; ExAC 0.00030; gnomAD 0.00054 and 0.00057; 1000 Genomes Project 0.00060; 1000 Genomes Project 30x 0.00062; ESP Exome Variant Server 0.00062; TOPMed 0.00065.
gnomAD v4.1: 419 of 1,614,210 alleles (0.026%); highest among the groups gnomAD compares: Middle Eastern, 0.21%; 1 homozygote.

Submissions (3):

CeGaT Center for Human Genetics Tuebingen
Classification: Likely benign. Last evaluated: 2026-03-01. Review status: criteria provided, single submitter. Criteria: CeGaT Center For Human Genetics Tuebingen Variant Classification Criteria Version 2. Collection method: clinical testing. Allele origin: germline. Affected: yes. Observed: 1 variant allele.
Comment: CXCR2: BP4, BP7

Labcorp Genetics (formerly Invitae), Labcorp
Classification: Likely benign. Last evaluated: 2026-02-01. Review status: criteria provided, single submitter. Criteria: Invitae Variant Classification Sherloc (09022015). Collection method: clinical testing. Allele origin: germline.

Breakthrough Genomics
Classification: Likely benign. Review status: criteria provided, single submitter. Criteria: ACMG Guidelines, 2015. Collection method: not provided. Allele origin: germline. Inheritance: Autosomal recessive inheritance. Affected: yes.

NM_001557.4(CXCR2):c.663C>T (p.Ile221=)

Gene: CXCR2 (C-X-C motif chemokine receptor 2; plus strand). Cytogenetic location: 2q35.
Variant type: single nucleotide variant.
Coding change: c.663C>T on transcript NM_001557.4 (MANE Select); coding-DNA position 663, C replaced by T.
Protein change: p.Ile221=; no amino-acid change (isoleucine 221 retained).
Molecular consequence: synonymous variant.
Genome position (GRCh38, 1-based): chr2:218,135,464, C>T. VCF-style: chr2-218135464-C-T. GRCh37 (hg19) VCF-style: chr2-219000187-C-T.
Other names: c.663C>T, p.Ile221= (NM_001168298.2).
Identifiers: ClinVar variation 728387 (VCV000728387.14), dbSNP rs141723765, ClinGen allele CA2101745.